The following is an entry in ClinVar:

NM_001382391.1(CSPP1):c.1556C>A (p.Pro519His)

Gene: CSPP1 (centrosome and spindle pole associated protein 1; plus strand). Cytogenetic location: 8q13.2.
Variant type: single nucleotide variant.
Coding change: c.1556C>A on transcript NM_001382391.1 (MANE Select); coding-DNA position 1556, C replaced by A.
Protein change: p.Pro519His; replaces proline 519 with histidine.
Molecular consequence: missense variant.
Genome position (GRCh38, 1-based): chr8:67,118,307, C>A. VCF-style: chr8-67118307-C-A. GRCh37 (hg19) VCF-style: chr8-68030542-C-A.
Other names: c.659C>A, p.Pro220His (NM_001291339.2); c.1475C>A, p.Pro492His (NM_001363131.2); c.1514C>A, p.Pro505His (NM_001363132.2); c.1433C>A, p.Pro478His (NM_001363133.2); c.1622C>A, p.Pro541His (NM_001364869.1); c.1442C>A, p.Pro481His (NM_001364870.1); c.1541C>A, p.Pro514His (NM_024790.7); short protein forms P492H, P514H, P541H, P478H, P481H, P519H, P220H, P505H.
Identifiers: ClinVar variation 2011559 (VCV002011559.4), dbSNP rs200535417, ClinGen allele CA371200589.

ClinVar aggregate classification (germline): Uncertain significance (1 of 4 stars; one submission).

Conditions:
Joubert syndrome 21 (JBTS21). Identifiers: MedGen C3810212, MONDO:0014288, OMIM 615636.

gnomAD v4.1: 1 of 1,613,576 alleles (0.000062%); highest among the groups gnomAD compares: Non-Finnish European, 0.000085%; no homozygotes.

Submission:

Labcorp Genetics (formerly Invitae), Labcorp
Classification: Uncertain significance for Joubert syndrome 21. Last evaluated: 2022-06-27. Review status: criteria provided, single submitter. Criteria: Invitae Variant Classification Sherloc (09022015). Collection method: clinical testing. Allele origin: germline.
Comment: In summary, the available evidence is currently insufficient to determine the role of this variant in disease. Therefore, it has been classified as a Variant of Uncertain Significance. Algorithms developed to predict the effect of missense changes on protein structure and function are either unavailable or do not agree on the potential impact of this missense change (SIFT: "Deleterious"; PolyPhen-2: "Probably Damaging"; Align-GVGD: "Class C0"). This variant has not been reported in the literature in individuals affected with CSPP1-related conditions. This variant is not present in population databases (gnomAD no frequency). This sequence change replaces proline, which is neutral and non-polar, with histidine, which is basic and polar, at codon 514 of the CSPP1 protein (p.Pro514His).